The following is an entry in ClinVar:

ClinVar aggregate classification (germline): Uncertain significance (1 of 4 stars; one submission).

Submission:

Labcorp Genetics (formerly Invitae), Labcorp
Classification: Uncertain significance. Last evaluated: 2023-03-02. Review status: criteria provided, single submitter. Criteria: Invitae Variant Classification Sherloc (09022015). Collection method: clinical testing. Allele origin: germline.
Comment: This sequence change replaces aspartic acid, which is acidic and polar, with tyrosine, which is neutral and polar, at codon 391 of the KAT6A protein (p.Asp391Tyr). This variant is not present in population databases (gnomAD no frequency). This variant has not been reported in the literature in individuals affected with KAT6A-related conditions. An algorithm developed to predict the effect of missense changes on protein structure and function (PolyPhen-2) suggests that this variant is likely to be disruptive. In summary, the available evidence is currently insufficient to determine the role of this variant in disease. Therefore, it has been classified as a Variant of Uncertain Significance.

NM_006766.5(KAT6A):c.1171G>T (p.Asp391Tyr)

Gene: KAT6A (lysine acetyltransferase 6A; minus strand). Cytogenetic location: 8p11.21.
Variant type: single nucleotide variant.
Coding change: c.1171G>T on transcript NM_006766.5 (MANE Select); coding-DNA position 1171, G replaced by T.
Protein change: p.Asp391Tyr; replaces aspartic acid 391 with tyrosine.
Molecular consequence: missense variant.
Genome position (GRCh38, 1-based): chr8:41,977,200, C>A on the plus strand (G>T on the coding strand, the complement: KAT6A is on the minus strand). VCF-style: chr8-41977200-C-A. GRCh37 (hg19) VCF-style: chr8-41834718-C-A.
Other names: c.1171G>T, p.Asp391Tyr (NM_001305878.2); short protein forms D391Y.
Identifiers: ClinVar variation 2842219 (VCV002842219.3), dbSNP rs2486807278, ClinGen allele CA371076099.